The following is an entry in ClinVar:

ClinVar aggregate classification (germline): Conflicting classifications of pathogenicity. Review status: criteria provided, conflicting classifications (1 of 4 stars). 5 submissions from 5 submitters: Uncertain significance (3); Likely benign (2). Last evaluated 2024-10-08.

Conditions:
Cardiomyopathy (CMYO). Also called: Cardiomyopathies. Identifiers: Orphanet 167848, MedGen C0878544, MONDO:0004994, HP:0001638. Inheritance: Various modes of inheritance.
Cardiovascular phenotype. Identifiers: MedGen CN230736.
Hypertrophic cardiomyopathy. Also called: HYPERTROPHIC MYOCARDIOPATHY. Identifiers: Orphanet 217569, MedGen C0007194, MeSH D002312, MONDO:0005045, HP:0001639.

Allele frequency attached by ClinVar (database versions not stated): TOPMed 0.00006.
gnomAD v4.1: 5 of 1,613,786 alleles (0.00031%); highest among the groups gnomAD compares: African/African-American, 0.0013%; no homozygotes.

Submissions (5):

Ambry Genetics
Classification: Likely benign for Cardiovascular phenotype. Last evaluated: 2024-10-08. Review status: criteria provided, single submitter. Criteria: Ambry Variant Classification Scheme 2023. Collection method: clinical testing. Allele origin: germline.

Color Diagnostics, LLC DBA Color Health
Classification: Uncertain significance for Cardiomyopathy. Last evaluated: 2024-09-03. Review status: criteria provided, single submitter. Criteria: ACMG Guidelines, 2015. Collection method: clinical testing. Allele origin: germline.
Comment: This missense variant replaces aspartic acid with glutamic acid at codon 12 of the MYL3 protein. Computational prediction tools indicate that this variant has a neutral impact on protein structure and function. To our knowledge, functional studies have not been reported for this variant. This variant has not been reported in individuals affected with MYL3-related disorders in the literature. This variant has been identified in 2/282490 chromosomes in the general population by the Genome Aggregation Database (gnomAD). The available evidence is insufficient to determine the role of this variant in disease conclusively. Therefore, this variant is classified as a Variant of Uncertain Significance.

All of Us Research Program, National Institutes of Health
Classification: Likely benign for Hypertrophic cardiomyopathy. Last evaluated: 2023-12-07. Review status: criteria provided, single submitter. Criteria: ACMG Guidelines, 2015. Collection method: clinical testing. Allele origin: germline. Inheritance: Autosomal dominant inheritance. Observed: 1 variant allele, 1 heterozygote.
Comment: This study involves interpretation of variants in research participants for the purpose of population health screening. Participant phenotype was not available at the time of variant classification. Additional details can be found in publication PMID: 35346344, PMCID: PMC8962531

Labcorp Genetics (formerly Invitae), Labcorp
Classification: Uncertain significance for Hypertrophic cardiomyopathy. Last evaluated: 2023-07-29. Review status: criteria provided, single submitter. Criteria: Invitae Variant Classification Sherloc (09022015). Collection method: clinical testing. Allele origin: germline.
Comment: In summary, the available evidence is currently insufficient to determine the role of this variant in disease. Therefore, it has been classified as a Variant of Uncertain Significance. Algorithms developed to predict the effect of missense changes on protein structure and function output the following: SIFT: "Not Available"; PolyPhen-2: "Not Available"; Align-GVGD: "Not Available". The glutamic acid amino acid residue is found in multiple mammalian species, which suggests that this missense change does not adversely affect protein function. ClinVar contains an entry for this variant (Variation ID: 921129). This variant has not been reported in the literature in individuals affected with MYL3-related conditions. This variant is present in population databases (rs138567316, gnomAD 0.004%). This sequence change replaces aspartic acid, which is acidic and polar, with glutamic acid, which is acidic and polar, at codon 12 of the MYL3 protein (p.Asp12Glu).

GeneDx
Classification: Uncertain significance. Last evaluated: 2019-06-19. Review status: criteria provided, single submitter. Criteria: GeneDx Variant Classification Process June 2021. Collection method: clinical testing. Allele origin: germline. Affected: yes.
Comment: Has not been previously published as pathogenic or benign to our knowledge; Not observed at a significant frequency in large population cohorts (Lek et al., 2016); In silico analysis, which includes protein predictors and evolutionary conservation, supports that this variant does not alter protein structure/function

NM_000258.3(MYL3):c.36T>G (p.Asp12Glu)

Gene: MYL3 (myosin light chain 3; minus strand). Cytogenetic location: 3p21.31.
Variant type: single nucleotide variant.
Coding change: c.36T>G on transcript NM_000258.3 (MANE Select); coding-DNA position 36, T replaced by G.
Protein change: p.Asp12Glu; replaces aspartic acid 12 with glutamic acid.
Molecular consequence: missense variant.
Genome position (GRCh38, 1-based): chr3:46,863,355, A>C on the plus strand (T>G on the coding strand, the complement: MYL3 is on the minus strand). VCF-style: chr3-46863355-A-C. GRCh37 (hg19) VCF-style: chr3-46904845-A-C.
Other names: short protein forms D12E.
Identifiers: ClinVar variation 921129 (VCV000921129.9), dbSNP rs138567316, ClinGen allele CA043908.